The following is an entry in ClinVar:

ClinVar aggregate classification (germline): Uncertain significance (1 of 4 stars; one submission).

Conditions:
Pelizaeus-Merzbacher disease. Also called: LEUKODYSTROPHY, HYPOMYELINATING, 1; Sudanophilic leukodystrophy; Pelizeaus-Merzbacher spectrum disorder; Pelizaeus-Merzbacher spectrum disorder; Pelizaeus-Merzbacher Disease (PMD). Identifiers: Orphanet 702, MedGen C0205711, MONDO:0010714, OMIM 312080, HP:0003269.

Submission:

3billion
Classification: Uncertain significance for Pelizaeus-Merzbacher disease. Last evaluated: 2025-12-17. Review status: criteria provided, single submitter. Criteria: ACMG Guidelines, 2015. Collection method: clinical testing. Allele origin: germline. Affected: yes.
Comment: The variant is not observed in the gnomAD v4.1.0 dataset. Predicted Consequence/Location: Synonymous variant Damaging effect on gene or gene product predicted by in silico programs is uncertain [SpliceAI: 0.13 (spliceogenicity >=0.2, non-spliceogenicity <0.1)]. Therefore, this variant is classified as VUS according to the recommendation of ACMG/AMP guideline.

NM_000533.5(PLP1):c.441A>G (p.Gly147=)

Genes: PLP1 (proteolipid protein 1; plus strand), RAB9B (RAB9B, member RAS oncogene family; minus strand). Cytogenetic location: Xq22.2.
Variant type: single nucleotide variant.
Coding change: c.441A>G on transcript NM_000533.5 (MANE Select); coding-DNA position 441, A replaced by G.
Protein change: p.Gly147=; no amino-acid change (glycine 147 retained).
Molecular consequence: synonymous variant. On other transcripts: intron variant (1).
Genome position (GRCh38, 1-based): chrX:103,786,714, A>G. VCF-style: chrX-103786714-A-G. GRCh37 (hg19) VCF-style: chrX-103041643-A-G.
Other names: c.441A>G, p.Gly147= (NM_001128834.3); c.276A>G, p.Gly92= (NM_001305004.1); c.348+93A>G (NM_199478.3).
Identifiers: ClinVar variation 4855388 (VCV004855388.1).
Genomic context (GRCh38, chrX:103,786,714, plus strand): 5'-AGGCCAACATCAAGCTCATTCTTTGGAGCGGGTGTGTCATTGTTTGGGAAAATGGCTAGG[A>G]CATCCCGACAAGGTGATCATCCTCAGGATTTTGTGGCAATAACAAGGGGTGGGGGAAAAT-3'
Protein context (NP_000524.3, residues 137-157): RVCHCLGKWL[Gly147=]HPDKFVGITY